The following is an entry in ClinVar:

NM_001447.3(FAT2):c.4065C>A (p.Ser1355Arg)

Genes: FAT2 (FAT atypical cadherin 2; minus strand), SLC36A1 (solute carrier family 36 member 1; plus strand). Cytogenetic location: 5q33.1.
Variant type: single nucleotide variant.
Coding change: c.4065C>A on transcript NM_001447.3 (MANE Select); coding-DNA position 4065, C replaced by A.
Protein change: p.Ser1355Arg; replaces serine 1355 with arginine.
Molecular consequence: missense variant.
Genome position (GRCh38, 1-based): chr5:151,553,268, G>T on the plus strand (C>A on the coding strand, the complement: FAT2 is on the minus strand). VCF-style: chr5-151553268-G-T. GRCh37 (hg19) VCF-style: chr5-150932829-G-T.
Other names: c.4065C>A (NM_001447.2); short protein forms S1355R.
Identifiers: ClinVar variation 2076255 (VCV002076255.5), dbSNP rs1286039964, ClinGen allele CA361847585.

ClinVar aggregate classification (germline): Uncertain significance. Review status: criteria provided, multiple submitters, no conflicts (2 of 4 stars). 2 submissions from 2 submitters: Uncertain significance (2). Last evaluated 2024-12-09.

Allele frequency attached by ClinVar (database versions not stated): TOPMed 0.00001; gnomAD exomes 0.00001; gnomAD 0.00001.
gnomAD v4.1: 17 of 1,614,154 alleles (0.0011%); highest among the groups gnomAD compares: African/African-American, 0.0013%; no homozygotes.

Submissions (2):

Labcorp Genetics (formerly Invitae), Labcorp
Classification: Uncertain significance. Last evaluated: 2024-12-09. Review status: criteria provided, single submitter. Criteria: Invitae Variant Classification Sherloc (09022015). Collection method: clinical testing. Allele origin: germline.
Comment: This sequence change replaces serine, which is neutral and polar, with arginine, which is basic and polar, at codon 1355 of the FAT2 protein (p.Ser1355Arg). This variant is present in population databases (no rsID available, gnomAD 0.007%). This variant has not been reported in the literature in individuals affected with FAT2-related conditions. ClinVar contains an entry for this variant (Variation ID: 2076255). An algorithm developed to predict the effect of missense changes on protein structure and function outputs the following: PolyPhen-2: "Benign". The arginine amino acid residue is found in multiple mammalian species, which suggests that this missense change does not adversely affect protein function. In summary, the available evidence is currently insufficient to determine the role of this variant in disease. Therefore, it has been classified as a Variant of Uncertain Significance.

Ambry Genetics
Classification: Uncertain significance. Last evaluated: 2023-11-29. Review status: criteria provided, single submitter. Criteria: Ambry Variant Classification Scheme 2023. Collection method: clinical testing. Allele origin: germline.